The following is an entry in ClinVar:

NM_001303256.3(MORC2):c.1723C>A (p.Leu575Met)

Gene: MORC2 (MORC family CW-type zinc finger 2; minus strand). Cytogenetic location: 22q12.2.
Variant type: single nucleotide variant.
Coding change: c.1723C>A on transcript NM_001303256.3 (MANE Select); coding-DNA position 1723, C replaced by A.
Protein change: p.Leu575Met; replaces leucine 575 with methionine.
Molecular consequence: missense variant.
Genome position (GRCh38, 1-based): chr22:30,936,525, G>T on the plus strand (C>A on the coding strand, the complement: MORC2 is on the minus strand). VCF-style: chr22-30936525-G-T. GRCh37 (hg19) VCF-style: chr22-31332512-G-T.
Other names: c.1723C>A, p.Leu575Met (NM_001303257.2); c.1537C>A, p.Leu513Met (NM_014941.3); short protein forms L513M, L575M.
Identifiers: ClinVar variation 959010 (VCV000959010.10), dbSNP rs2040654543, ClinGen allele CA411237092.

ClinVar aggregate classification (germline): Uncertain significance (1 of 4 stars; one submission).

Conditions:
Charcot-Marie-Tooth disease axonal type 2Z. Also called: CHARCOT-MARIE-TOOTH DISEASE, AXONAL, AUTOSOMAL DOMINANT, TYPE 2Z; CHARCOT-MARIE-TOOTH NEUROPATHY, TYPE 2Z. Identifiers: Orphanet 466768, MedGen C5569025, MONDO:0014736, OMIM 616688.

Submission:

Labcorp Genetics (formerly Invitae), Labcorp
Classification: Uncertain significance for Charcot-Marie-Tooth disease axonal type 2Z. Last evaluated: 2022-07-12. Review status: criteria provided, single submitter. Criteria: Invitae Variant Classification Sherloc (09022015). Collection method: clinical testing. Allele origin: germline.
Comment: This sequence change replaces leucine, which is neutral and non-polar, with methionine, which is neutral and non-polar, at codon 575 of the MORC2 protein (p.Leu575Met). This variant is not present in population databases (gnomAD no frequency). This variant has not been reported in the literature in individuals affected with MORC2-related conditions. ClinVar contains an entry for this variant (Variation ID: 959010). Advanced modeling of protein sequence and biophysical properties (such as structural, functional, and spatial information, amino acid conservation, physicochemical variation, residue mobility, and thermodynamic stability) performed at Invitae indicates that this missense variant is expected to disrupt MORC2 protein function. In summary, the available evidence is currently insufficient to determine the role of this variant in disease. Therefore, it has been classified as a Variant of Uncertain Significance.